The following is an entry in ClinVar:

ClinVar aggregate classification (germline): Uncertain significance. Review status: criteria provided, multiple submitters, no conflicts (2 of 4 stars). 2 submissions from 2 submitters: Uncertain significance (2). Last evaluated 2022-08-22.

Conditions:
Inborn genetic diseases. Identifiers: MedGen C0950123, MeSH D030342.
Short-rib thoracic dysplasia 8 with or without polydactyly (SRTD8). Also called: SHORT-RIB THORACIC DYSPLASIA 8 WITH POLYDACTYLY. Identifiers: Orphanet 93271, MedGen C3809691, MONDO:0014214, OMIM 615503.

Allele frequency attached by ClinVar (database versions not stated): ExAC 0.00012; 1000 Genomes Project 30x 0.00016; 1000 Genomes Project 0.00020; TOPMed 0.00023; gnomAD 0.00025; ESP Exome Variant Server 0.00033.
gnomAD v4.1: 72 of 1,613,094 alleles (0.0045%); highest among the groups gnomAD compares: African/African-American, 0.083%; no homozygotes.

Submissions (2):

Labcorp Genetics (formerly Invitae), Labcorp
Classification: Uncertain significance for Short-rib thoracic dysplasia 8 with or without polydactyly. Last evaluated: 2022-08-22. Review status: criteria provided, single submitter. Criteria: Invitae Variant Classification Sherloc (09022015). Collection method: clinical testing. Allele origin: germline.
Comment: This sequence change replaces glycine, which is neutral and non-polar, with valine, which is neutral and non-polar, at codon 308 of the WDR60 protein (p.Gly308Val). This variant is present in population databases (rs369219811, gnomAD 0.1%). This variant has not been reported in the literature in individuals affected with WDR60-related conditions. Algorithms developed to predict the effect of missense changes on protein structure and function are either unavailable or do not agree on the potential impact of this missense change (SIFT: "Deleterious"; PolyPhen-2: "Benign"; Align-GVGD: "Class C0"). Algorithms developed to predict the effect of sequence changes on RNA splicing suggest that this variant may create or strengthen a splice site. In summary, the available evidence is currently insufficient to determine the role of this variant in disease. Therefore, it has been classified as a Variant of Uncertain Significance.

Ambry Genetics
Classification: Uncertain significance for Inborn genetic diseases. Last evaluated: 2021-10-22. Review status: criteria provided, single submitter. Criteria: Ambry Variant Classification Scheme 2023. Collection method: clinical testing. Allele origin: germline.

NM_018051.5(DYNC2I1):c.923G>T (p.Gly308Val)

Gene: DYNC2I1 (dynein 2 intermediate chain 1; plus strand). Cytogenetic location: 7q36.3.
Variant type: single nucleotide variant.
Coding change: c.923G>T on transcript NM_018051.5 (MANE Select); coding-DNA position 923, G replaced by T.
Protein change: p.Gly308Val; replaces glycine 308 with valine.
Molecular consequence: missense variant. On other transcripts: 5 prime UTR variant (3), intron variant (1).
Genome position (GRCh38, 1-based): chr7:158,884,607, G>T. VCF-style: chr7-158884607-G-T. GRCh37 (hg19) VCF-style: chr7-158677298-G-T.
Other names: c.785G>T, p.Gly262Val (NM_001350914.2); c.-436G>T (NM_001350916.2); c.-444G>T (NM_001350917.2); c.-563G>T (NM_001350918.2); c.363-2414G>T (NM_001350915.2); c.923G>T (NM_018051.4); short protein forms G262V, G308V.
Identifiers: ClinVar variation 2068420 (VCV002068420.4), dbSNP rs369219811, ClinGen allele CA4594438.